The following is an entry in ClinVar:

NM_003108.4(SOX11):c.184A>T (p.Ile62Phe)

Gene: SOX11 (SRY-box transcription factor 11; plus strand). Cytogenetic location: 2p25.2.
Variant type: single nucleotide variant.
Coding change: c.184A>T on transcript NM_003108.4 (MANE Select); coding-DNA position 184, A replaced by T.
Protein change: p.Ile62Phe; replaces isoleucine 62 with phenylalanine.
Molecular consequence: missense variant.
Genome position (GRCh38, 1-based): chr2:5,692,905, A>T. VCF-style: chr2-5692905-A-T. GRCh37 (hg19) VCF-style: chr2-5833037-A-T.
Other names: short protein forms I62F.
Identifiers: ClinVar variation 4530882 (VCV004530882.1).

ClinVar aggregate classification (germline): Uncertain significance (1 of 4 stars; one submission).

Submission:

GeneDx
Classification: Uncertain significance. Last evaluated: 2025-05-16. Review status: criteria provided, single submitter. Criteria: GeneDx Variant Classification Process June 2021. Collection method: clinical testing. Allele origin: germline. Affected: yes.
Comment: Not observed at significant frequency in large population cohorts (gnomAD); In silico analysis supports that this missense variant has a deleterious effect on protein structure/function; Has not been previously published as pathogenic or benign to our knowledge